The following is an entry in ClinVar:

NM_016464.5(TMEM138):c.176T>G (p.Met59Arg)

Gene: TMEM138 (transmembrane protein 138; plus strand). Cytogenetic location: 11q12.2.
Variant type: single nucleotide variant.
Coding change: c.176T>G on transcript NM_016464.5 (MANE Select); coding-DNA position 176, T replaced by G.
Protein change: p.Met59Arg; replaces methionine 59 with arginine.
Molecular consequence: missense variant. On other transcripts: initiator codon variant (1), non-coding transcript variant (1).
Genome position (GRCh38, 1-based): chr11:61,366,092, T>G. VCF-style: chr11-61366092-T-G. GRCh37 (hg19) VCF-style: chr11-61133564-T-G.
Other names: c.2T>G (NM_001330281.1); c.2T>G, p.Met1Arg (NM_001330281.2); c.176T>G, p.Met59Arg (NM_001410997.1, NM_001410998.1, NM_001410999.1); short protein forms M59R, M1R.
Identifiers: ClinVar variation 2132895 (VCV002132895.6), dbSNP rs748465653, ClinGen allele CA380678828.

ClinVar aggregate classification (germline): Uncertain significance. Review status: criteria provided, multiple submitters, no conflicts (2 of 4 stars). 2 submissions from 2 submitters: Uncertain significance (2). Last evaluated 2026-09-23.

Conditions:
TMEM138-related disorder. Also called: TMEM138-related condition.
Joubert syndrome 16 (JBTS16). Identifiers: Orphanet 2318, MedGen C3280906, MONDO:0013764, OMIM 614465.

Allele frequency attached by ClinVar (database versions not stated): TOPMed 0.00002.
gnomAD v4.1: 1 of 1,614,152 alleles (0.000062%); highest among the groups gnomAD compares: African/African-American, 0.0013%; no homozygotes.

Submissions (2):

PreventionGenetics, part of Exact Sciences
Classification: Uncertain significance for TMEM138-related condition. Last evaluated: 2026-09-23. Review status: criteria provided, single submitter. Criteria: ACMG Guidelines, 2015. Collection method: clinical testing. Allele origin: germline.
Comment: The TMEM138 c.2T>G variant is predicted to disrupt the translation initiation site (Start Loss). To our knowledge, this variant has not been reported in the literature or in a large population database (gnomAD), indicating this variant is rare. At this time, the clinical significance of this variant is uncertain due to the absence of conclusive functional and genetic evidence.

Labcorp Genetics (formerly Invitae), Labcorp
Classification: Uncertain significance for Joubert syndrome 16. Last evaluated: 2022-05-27. Review status: criteria provided, single submitter. Criteria: Invitae Variant Classification Sherloc (09022015). Collection method: clinical testing. Allele origin: germline.
Comment: This sequence change replaces methionine, which is neutral and non-polar, with arginine, which is basic and polar, at codon 59 of the TMEM138 protein (p.Met59Arg). In summary, the available evidence is currently insufficient to determine the role of this variant in disease. Therefore, it has been classified as a Variant of Uncertain Significance. Algorithms developed to predict the effect of sequence changes on RNA splicing suggest that this variant may create or strengthen a splice site. Algorithms developed to predict the effect of missense changes on protein structure and function are either unavailable or do not agree on the potential impact of this missense change (SIFT: "Tolerated"; PolyPhen-2: "Possibly Damaging"; Align-GVGD: "Class C0"). This variant has not been reported in the literature in individuals affected with TMEM138-related conditions. This variant is not present in population databases (gnomAD no frequency).